The following is an entry in ClinVar:

NM_004425.4(ECM1):c.142del (p.Ser48fs)

Gene: ECM1 (extracellular matrix protein 1; plus strand). Cytogenetic location: 1q21.2.
Variant type: Deletion.
Coding change: c.142del on transcript NM_004425.4 (MANE Select); coding-DNA position 142, one base deleted (T; older notation c.142delT).
Protein change: p.Ser48fs; shifts the reading frame from serine 48.
Molecular consequence: frameshift variant.
Genome position (GRCh38, 1-based): chr1:150,509,681, T deleted. VCF-style (leftmost placement, unchanged base first): chr1-150509680-CT-C. GRCh37 (hg19) VCF-style: chr1-150482156-CT-C.
Other names: c.142del, p.Ser48fs (NM_001202858.2, NM_022664.3); short protein forms S48fs.
Identifiers: ClinVar variation 930258 (VCV000930258.3), dbSNP rs1670380730, ClinGen allele CA1139656304.
Genomic context (GRCh38, chr1:150,509,680, plus strand): 5'-GGAGGCACTGTGGGCTCTGATGTCTCCCCTCTTGCTTCTAGTTGGCTACGCAGCTCCCCC[CT>C]CCCCACCCCTATCCCGAAGCCTCCCCATGGATCACCCTGACTCCTCTCAGCATGGCCCTC-3'

ClinVar aggregate classification (germline): Likely pathogenic (1 of 4 stars; one submission).

Conditions:
Lipid proteinosis. Also called: Lipoid Proteinosis of Urbach and Wiethe; lipoid proteinosis; HYALINOSIS CUTIS ET MUCOSAE; Urbach Wiethe disease. Identifiers: Orphanet 530, MedGen C0023795, MONDO:0009530, OMIM 247100.

Submission:

Centre for Mendelian Genomics, University Medical Centre Ljubljana
Classification: Likely pathogenic for Lipid proteinosis. Last evaluated: 2019-01-22. Review status: criteria provided, single submitter. Criteria: ACMG Guidelines, 2015. Collection method: clinical testing. Allele origin: unknown. Affected: yes.
Comment: This variant was classified as: Likely pathogenic. The following ACMG criteria were applied in classifying this variant: PVS1,PM2.